The following is an entry in ClinVar:

ClinVar aggregate classification (germline): Uncertain significance (1 of 4 stars; one submission).

Submission:

Laboratorio de Genetica e Diagnostico Molecular, Hospital Israelita Albert Einstein
Classification: Uncertain significance. Last evaluated: 2019-09-20. Review status: criteria provided, single submitter. Criteria: ACMG Guidelines, 2015. Collection method: clinical testing. Allele origin: germline. Affected: yes.
Comment: ACMG classification criteria: PM2, BP4

NM_017635.5(KMT5B):c.1211A>G (p.Asn404Ser)

Gene: KMT5B (lysine methyltransferase 5B; minus strand). Cytogenetic location: 11q13.2.
Variant type: single nucleotide variant.
Coding change: c.1211A>G on transcript NM_017635.5 (MANE Select); coding-DNA position 1211, A replaced by G.
Protein change: p.Asn404Ser; replaces asparagine 404 with serine.
Molecular consequence: missense variant.
Genome position (GRCh38, 1-based): chr11:68,159,135, T>C on the plus strand (A>G on the coding strand, the complement: KMT5B is on the minus strand). VCF-style: chr11-68159135-T-C. GRCh37 (hg19) VCF-style: chr11-67926602-T-C.
Other names: c.695A>G, p.Asn232Ser (NM_001300907.1, NM_001369428.1, NM_001369429.1 and 4 more transcripts); c.491A>G, p.Asn164Ser (NM_001300908.2); c.1211A>G, p.Asn404Ser (NM_001369426.1); short protein forms N164S, N232S, N404S.
Identifiers: ClinVar variation 1690685 (VCV001690685.2), dbSNP rs2153041052, ClinGen allele CA381595437.